The following is an entry in ClinVar:

ClinVar aggregate classification (germline): Likely benign (1 of 4 stars; one submission).

gnomAD v4.1: 24 of 1,613,726 alleles (0.0015%); highest among the groups gnomAD compares: Admixed American, 0.005%; no homozygotes.

Submission:

CeGaT Center for Human Genetics Tuebingen
Classification: Likely benign. Last evaluated: 2026-05-01. Review status: criteria provided, single submitter. Criteria: CeGaT Center For Human Genetics Tuebingen Variant Classification Criteria Version 2. Collection method: clinical testing. Allele origin: germline. Affected: yes. Observed: 1 variant allele.
Comment: MAN2C1: BP4, BP7

NM_006715.4(MAN2C1):c.1113G>A (p.Pro371=)

Gene: MAN2C1 (mannosidase alpha class 2C member 1; minus strand). Cytogenetic location: 15q24.2.
Variant type: single nucleotide variant.
Coding change: c.1113G>A on transcript NM_006715.4 (MANE Select); coding-DNA position 1113, G replaced by A.
Protein change: p.Pro371=; no amino-acid change (proline 371 retained).
Molecular consequence: synonymous variant.
Genome position (GRCh38, 1-based): chr15:75,361,709, C>T on the plus strand (G>A on the coding strand, the complement: MAN2C1 is on the minus strand). VCF-style: chr15-75361709-C-T. GRCh37 (hg19) VCF-style: chr15-75654050-C-T.
Other names: c.1113G>A, p.Pro371= (NM_001256494.2, NM_001256495.2); c.816G>A, p.Pro272= (NM_001256496.2).
Identifiers: ClinVar variation 4873273 (VCV004873273.2).